The following is an entry in ClinVar:

ClinVar aggregate classification (germline): Uncertain significance (1 of 4 stars; one submission).

Conditions:
Dyskeratosis congenita, autosomal dominant 6 (DKCA6). Identifiers: Orphanet 3322, MedGen C4225284, MONDO:0014690, OMIM 616553.

gnomAD v4.1: 1 of 1,603,038 alleles (0.000062%); highest among the groups gnomAD compares: Non-Finnish European, 0.000085%; no homozygotes.

Submission:

Labcorp Genetics (formerly Invitae), Labcorp
Classification: Uncertain significance for Dyskeratosis congenita, autosomal dominant 6. Last evaluated: 2025-02-27. Review status: criteria provided, single submitter. Criteria: Invitae Variant Classification Sherloc (09022015). Collection method: clinical testing. Allele origin: germline.
Comment: This sequence change falls in intron 2 of the ACD gene. It does not directly change the encoded amino acid sequence of the ACD protein. It affects a nucleotide within the consensus splice site. This variant is not present in population databases (gnomAD no frequency). This variant has not been reported in the literature in individuals affected with ACD-related conditions. Variants that disrupt the consensus splice site are a relatively common cause of aberrant splicing (PMID: 17576681, 9536098). Algorithms developed to predict the effect of sequence changes on RNA splicing suggest that this variant may disrupt the consensus splice site. In summary, the available evidence is currently insufficient to determine the role of this variant in disease. Therefore, it has been classified as a Variant of Uncertain Significance.

Literature cited by the submitters: PubMed 17576681; PubMed 9536098.

NM_001082486.2(ACD):c.243-3C>G

Gene: ACD (ACD shelterin complex subunit and telomerase recruitment factor; minus strand). Cytogenetic location: 16q22.1.
Variant type: single nucleotide variant.
Coding change: c.243-3C>G on transcript NM_001082486.2 (MANE Select); 3 bases into the intron before coding-DNA position 243, C replaced by G.
Molecular consequence: intron variant.
Genome position (GRCh38, 1-based): chr16:67,659,798, G>C on the plus strand (C>G on the coding strand, the complement: ACD is on the minus strand). VCF-style: chr16-67659798-G-C. GRCh37 (hg19) VCF-style: chr16-67693701-G-C.
Other names: c.234-3C>G (NM_022914.3); c.243-3C>G (NM_001410884.1).
Identifiers: ClinVar variation 4749783 (VCV004749783.1).